The following is an entry in ClinVar:

ClinVar aggregate classification (germline): Uncertain significance (1 of 4 stars; one submission).

Allele frequency attached by ClinVar (database versions not stated): TOPMed below 0.00001; gnomAD 0.00001.
gnomAD v4.1: 2 of 1,613,946 alleles (0.00012%); highest among the groups gnomAD compares: Non-Finnish European, 0.00017%; no homozygotes.

Submission:

Labcorp Genetics (formerly Invitae), Labcorp
Classification: Uncertain significance. Last evaluated: 2024-02-24. Review status: criteria provided, single submitter. Criteria: Invitae Variant Classification Sherloc (09022015). Collection method: clinical testing. Allele origin: germline.
Comment: This sequence change replaces threonine, which is neutral and polar, with alanine, which is neutral and non-polar, at codon 145 of the FBXL4 protein (p.Thr145Ala). This variant is present in population databases (no rsID available, gnomAD 0.0009%). This variant has not been reported in the literature in individuals affected with FBXL4-related conditions. ClinVar contains an entry for this variant (Variation ID: 1397492). Advanced modeling of protein sequence and biophysical properties (such as structural, functional, and spatial information, amino acid conservation, physicochemical variation, residue mobility, and thermodynamic stability) performed at Invitae indicates that this missense variant is expected to disrupt FBXL4 protein function with a positive predictive value of 80%. In summary, the available evidence is currently insufficient to determine the role of this variant in disease. Therefore, it has been classified as a Variant of Uncertain Significance.

NM_001278716.2(FBXL4):c.433A>G (p.Thr145Ala)

Gene: FBXL4 (F-box and leucine rich repeat protein 4; minus strand). Cytogenetic location: 6q16.2.
Variant type: single nucleotide variant.
Coding change: c.433A>G on transcript NM_001278716.2 (MANE Select); coding-DNA position 433, A replaced by G.
Protein change: p.Thr145Ala; replaces threonine 145 with alanine.
Molecular consequence: missense variant. On other transcripts: non-coding transcript variant (2).
Genome position (GRCh38, 1-based): chr6:98,926,556, T>C on the plus strand (A>G on the coding strand, the complement: FBXL4 is on the minus strand). VCF-style: chr6-98926556-T-C. GRCh37 (hg19) VCF-style: chr6-99374432-T-C.
Other names: c.433A>G, p.Thr145Ala (NM_012160.5); short protein forms T145A.
Identifiers: ClinVar variation 1397492 (VCV001397492.6), dbSNP rs1179798985, ClinGen allele CA16021220.